The following is an entry in ClinVar:

ClinVar aggregate classification (germline): Uncertain significance. Review status: criteria provided, multiple submitters, no conflicts (2 of 4 stars). 7 submissions from 7 submitters: Uncertain significance (7). Last evaluated 2025-04-17.

Conditions:
Peutz-Jeghers syndrome (PJS). Also called: Peutz-Jeghers polyposis; Periorificial lentiginosis syndrome; POLYPOSIS, HAMARTOMATOUS INTESTINAL; POLYPS-AND-SPOTS SYNDROME. Identifiers: Orphanet 2869, MedGen C0031269, MeSH D010580, MONDO:0008280, OMIM 175200.
Hereditary cancer-predisposing syndrome. Also called: Hereditary Cancer Syndrome; Neoplastic Syndromes, Hereditary; Tumor predisposition; Hereditary neoplastic syndrome. Identifiers: Orphanet 140162, MedGen C0027672, MeSH D009386, MONDO:0015356.

Allele frequency attached by ClinVar (database versions not stated): gnomAD exomes 0.00001.
gnomAD v4.1: 16 of 1,604,778 alleles (0.001%); highest among the groups gnomAD compares: Non-Finnish European, 0.0014%; no homozygotes.

Submissions (7):

Ambry Genetics
Classification: Uncertain significance for Hereditary cancer-predisposing syndrome. Last evaluated: 2025-04-17. Review status: criteria provided, single submitter. Criteria: Ambry Variant Classification Scheme 2023. Collection method: clinical testing. Allele origin: germline.
Comment: The p.L400Q variant (also known as c.1199T>A), located in coding exon 9 of the STK11 gene, results from a T to A substitution at nucleotide position 1199. The leucine at codon 400 is replaced by glutamine, an amino acid with dissimilar properties. This amino acid position is not well conserved in available vertebrate species. In addition, this alteration is predicted to be tolerated by in silico analysis. Since supporting evidence is limited at this time, the clinical significance of this alteration remains unclear.

Color Diagnostics, LLC DBA Color Health
Classification: Uncertain significance for Hereditary cancer-predisposing syndrome. Last evaluated: 2025-04-08. Review status: criteria provided, single submitter. Criteria: ACMG Guidelines, 2015. Collection method: clinical testing. Allele origin: germline.
Comment: This missense variant replaces leucine with glutamine at codon 400 of the STK11 protein. Computational prediction suggests that this variant may not impact protein structure and function. To our knowledge, functional studies have not been reported for this variant. This variant has not been reported in individuals affected with STK11-related disorders in the literature. This variant has not been identified in the general population by the Genome Aggregation Database (gnomAD). The available evidence is insufficient to determine the role of this variant in disease conclusively. Therefore, this variant is classified as a Variant of Uncertain Significance.

All of Us Research Program, National Institutes of Health
Classification: Uncertain significance for Peutz-Jeghers syndrome. Last evaluated: 2024-09-23. Review status: criteria provided, single submitter. Criteria: ACMG Guidelines, 2015. Collection method: clinical testing. Allele origin: germline. Inheritance: Autosomal dominant inheritance. Observed: 4 variant alleles, 4 heterozygotes.
Comment: This missense variant replaces leucine with glutamine at codon 400 of the STK11 protein. Computational prediction suggests that this variant may not impact protein structure and function (internally defined REVEL score threshold <= 0.5, PMID: 27666373). To our knowledge, functional studies have not been reported for this variant. This variant has not been reported in individuals affected with STK11-related disorders in the literature. This variant has not been identified in the general population by the Genome Aggregation Database (gnomAD). The available evidence is insufficient to determine the role of this variant in disease conclusively. Therefore, this variant is classified as a Variant of Uncertain Significance.

This study involves interpretation of variants in research participants for the purpose of population health screening. Participant phenotype was not available at the time of variant classification. Additional details can be found in publication PMID: 35346344, PMCID: PMC8962531

Labcorp Genetics (formerly Invitae), Labcorp
Classification: Uncertain significance for Peutz-Jeghers syndrome. Last evaluated: 2024-08-31. Review status: criteria provided, single submitter. Criteria: Invitae Variant Classification Sherloc (09022015). Collection method: clinical testing. Allele origin: germline.
Comment: This sequence change replaces leucine, which is neutral and non-polar, with glutamine, which is neutral and polar, at codon 400 of the STK11 protein (p.Leu400Gln). This variant is not present in population databases (gnomAD no frequency). This variant has not been reported in the literature in individuals affected with STK11-related conditions. ClinVar contains an entry for this variant (Variation ID: 630401). Invitae Evidence Modeling of protein sequence and biophysical properties (such as structural, functional, and spatial information, amino acid conservation, physicochemical variation, residue mobility, and thermodynamic stability) indicates that this missense variant is not expected to disrupt STK11 protein function with a negative predictive value of 95%. In summary, the available evidence is currently insufficient to determine the role of this variant in disease. Therefore, it has been classified as a Variant of Uncertain Significance.

Quest Diagnostics Nichols Institute San Juan Capistrano
Classification: Uncertain significance. Last evaluated: 2023-12-05. Review status: criteria provided, single submitter. Criteria: Quest Diagnostics criteria. Collection method: clinical testing. Allele origin: unknown.
Comment: The STK11 c.1199T>A (p.Leu400Gln) variant has not been reported in individuals with STK11-related conditions in the published literature. It also has not been reported in large, multi-ethnic general populations (Genome Aggregation Database). Analysis of this variant using bioinformatics tools for the prediction of the effect of amino acid changes on protein structure and function yielded predictions that this variant is benign. Based on the available information, we are unable to determine the clinical significance of this variant.

GeneDx
Classification: Uncertain significance. Last evaluated: 2023-10-03. Review status: criteria provided, single submitter. Criteria: GeneDx Variant Classification Process June 2021. Collection method: clinical testing. Allele origin: germline. Affected: yes.
Comment: Not observed at significant frequency in large population cohorts (gnomAD); In silico analysis supports that this missense variant does not alter protein structure/function; Has not been previously published as pathogenic or benign to our knowledge; This variant is associated with the following publications: (PMID: 28900777)

Genome-Nilou Lab
Classification: Uncertain significance for Peutz-Jeghers syndrome. Last evaluated: 2021-07-15. Review status: criteria provided, single submitter. Criteria: ACMG Guidelines, 2015. Collection method: clinical testing. Allele origin: germline. Affected: no.

NM_000455.5(STK11):c.1199T>A (p.Leu400Gln)

Gene: STK11 (serine/threonine kinase 11; plus strand). Cytogenetic location: 19p13.3.
Variant type: single nucleotide variant.
Coding change: c.1199T>A on transcript NM_000455.5 (MANE Select); coding-DNA position 1199, T replaced by A.
Protein change: p.Leu400Gln; replaces leucine 400 with glutamine.
Molecular consequence: missense variant.
Genome position (GRCh38, 1-based): chr19:1,226,544, T>A. VCF-style: chr19-1226544-T-A. GRCh37 (hg19) VCF-style: chr19-1226543-T-A.
Other names: short protein forms L400Q.
Identifiers: ClinVar variation 630401 (VCV000630401.24), dbSNP rs747545317, ClinGen allele CA304033616.
Genomic context (GRCh38, chr19:1,226,544, plus strand): 5'-ATGGACAGCGCCGGGGCCTCCCCAAGGCCGTGTGTATGAACGGCACAGAGGCGGCGCAGC[T>A]GAGCACCAAATCCAGGGCGGAGGGCCGGGCCCCCAACCCTGCCCGCAAGGCCTGCTCCGC-3'
Protein context (NP_000446.1, residues 390-410): VCMNGTEAAQ[Leu400Gln]STKSRAEGRA